The following is an entry in ClinVar:

NM_198253.3(TERT):c.1517A>G (p.Gln506Arg)

Gene: TERT (telomerase reverse transcriptase; minus strand). Cytogenetic location: 5p15.33.
Variant type: single nucleotide variant.
Coding change: c.1517A>G on transcript NM_198253.3 (MANE Select); coding-DNA position 1517, A replaced by G.
Protein change: p.Gln506Arg; replaces glutamine 506 with arginine.
Molecular consequence: missense variant. On other transcripts: non-coding transcript variant (2).
Genome position (GRCh38, 1-based): chr5:1,293,369, T>C on the plus strand (A>G on the coding strand, the complement: TERT is on the minus strand). VCF-style: chr5-1293369-T-C. GRCh37 (hg19) VCF-style: chr5-1293484-T-C.
Other names: c.1517A>G, p.Gln506Arg (NM_001193376.3, NM_003219.1); short protein forms Q506R.
Identifiers: ClinVar variation 2202606 (VCV002202606.3), dbSNP rs2478408279, ClinGen allele CA359085215.
Genomic context (GRCh38, chr5:1,293,369, plus strand): 5'-TCACCTGGGCTCCTGCGCAGCCAAGCGCAGTCCCGCACGCTCATCTTCCACGTCAGCTCC[T>C]GCAGCGAGAGCTTGGCATGCTTCCCCAGGGAGATGAACTTCTTGGTGTTCCTGAGGAAGC-3'
Protein context (NP_937983.2, residues 496-516): SLGKHAKLSL[Gln506Arg]ELTWKMSVRD

ClinVar aggregate classification (germline): Uncertain significance (1 of 4 stars; one submission).

Conditions:
Dyskeratosis congenita, autosomal dominant 2. Identifiers: MedGen C3151443, MONDO:0013521, OMIM 613989.
Idiopathic Pulmonary Fibrosis. Also called: Idiopathic fibrosing alveolitis, chronic form; idiopathic fibrosing alveolitis. Identifiers: Orphanet 2032, MedGen C1800706, MeSH D054990, MONDO:0800504.

Submission:

Labcorp Genetics (formerly Invitae), Labcorp
Classification: Uncertain significance for Dyskeratosis congenita, autosomal dominant 2; Idiopathic Pulmonary Fibrosis. Last evaluated: 2024-04-08. Review status: criteria provided, single submitter. Criteria: Invitae Variant Classification Sherloc (09022015). Collection method: clinical testing. Allele origin: germline.
Comment: This sequence change replaces glutamine, which is neutral and polar, with arginine, which is basic and polar, at codon 506 of the TERT protein (p.Gln506Arg). This variant is not present in population databases (gnomAD no frequency). This variant has not been reported in the literature in individuals affected with TERT-related conditions. ClinVar contains an entry for this variant (Variation ID: 2202606). Algorithms developed to predict the effect of missense changes on protein structure and function output the following: SIFT: "Not Available"; PolyPhen-2: "Benign"; Align-GVGD: "Not Available". The arginine amino acid residue is found in multiple mammalian species, which suggests that this missense change does not adversely affect protein function. In summary, the available evidence is currently insufficient to determine the role of this variant in disease. Therefore, it has been classified as a Variant of Uncertain Significance.